The following is an entry in ClinVar:

ClinVar aggregate classification (germline): Pathogenic (1 of 4 stars; one submission).

Conditions:
Primary pulmonary hypertension. Also called: Idiopathic pulmonary hypertension. Identifiers: MedGen C0152171.

Submission:

Labcorp Genetics (formerly Invitae), Labcorp
Classification: Pathogenic for Primary pulmonary hypertension. Last evaluated: 2023-08-27. Review status: criteria provided, single submitter. Criteria: Invitae Variant Classification Sherloc (09022015). Collection method: clinical testing. Allele origin: unknown.
Comment: For these reasons, this variant has been classified as Pathogenic. This variant disrupts a region of the BMPR2 protein in which other variant(s) (Deletion (Exons 2-3)) have been determined to be pathogenic (PMID: 18503968, 21801371). This suggests that this is a clinically significant region of the protein, and that variants that disrupt it are likely to be disease-causing. A similar copy number variant has been observed in individual(s) with pulmonary arterial hypertension (PMID: 26387786). This variant is a gross deletion of the genomic region encompassing exon(s) 2-9 of the BMPR2 gene. This variant would be expected to be in-frame, preserving the integrity of the reading frame.

Literature cited by the submitters: PubMed 18503968; PubMed 21801371; PubMed 26387786.

NC_000002.11:g.(?_203329512)_(203397475_?)del

Gene: BMPR2 (bone morphogenetic protein receptor type 2; plus strand). Cytogenetic location: 2q33.2.
Variant type: Deletion.
Identifiers: ClinVar variation 3247135 (VCV003247135.1).